The following is an entry in ClinVar:

ClinVar aggregate classification (germline): Likely benign (0 of 4 stars; one submission).

Conditions:
CFAP221-related disorder. Also called: CFAP221-related condition.

Allele frequency attached by ClinVar (database versions not stated): gnomAD 0.00014; gnomAD exomes 0.00015; TOPMed 0.00028; 1000 Genomes Project 30x 0.00047; ExAC 0.00054; 1000 Genomes Project 0.00060.
gnomAD v4.1: 238 of 1,613,266 alleles (0.015%); highest among the groups gnomAD compares: Admixed American, 0.27%; no homozygotes.

Submission:

PreventionGenetics, part of Exact Sciences
Classification: Likely benign for CFAP221-related condition. Last evaluated: 2023-01-05. Review status: no assertion criteria provided. Collection method: clinical testing. Allele origin: germline.
Comment: This variant is classified as likely benign based on ACMG/AMP sequence variant interpretation guidelines (Richards et al. 2015 PMID: 25741868, with internal and published modifications).

NM_001271049.2(CFAP221):c.1547G>A (p.Arg516Gln)

Gene: CFAP221 (cilia and flagella associated protein 221; plus strand). Cytogenetic location: 2q14.2.
Variant type: single nucleotide variant.
Coding change: c.1547G>A on transcript NM_001271049.2 (MANE Select); coding-DNA position 1547, G replaced by A.
Protein change: p.Arg516Gln; replaces arginine 516 with glutamine.
Molecular consequence: missense variant. On other transcripts: non-coding transcript variant (2).
Genome position (GRCh38, 1-based): chr2:119,627,683, G>A. VCF-style: chr2-119627683-G-A. GRCh37 (hg19) VCF-style: chr2-120385259-G-A.
Other names: short protein forms R516Q.
Identifiers: ClinVar variation 3033645 (VCV003033645.2), dbSNP rs544476023, ClinGen allele CA1848497.